The following is an entry in ClinVar:

NM_000053.4(ATP7B):c.2183A>G (p.Asn728Ser)

Gene: ATP7B (ATPase copper transporting beta; minus strand). Cytogenetic location: 13q14.3.
Variant type: single nucleotide variant.
Coding change: c.2183A>G on transcript NM_000053.4 (MANE Select); coding-DNA position 2183, A replaced by G.
Protein change: p.Asn728Ser; replaces asparagine 728 with serine.
Molecular consequence: missense variant. On other transcripts: intron variant (2).
Genome position (GRCh38, 1-based): chr13:51,958,483, T>C on the plus strand (A>G on the coding strand, the complement: ATP7B is on the minus strand). VCF-style: chr13-51958483-T-C. GRCh37 (hg19) VCF-style: chr13-52532619-T-C.
Other names: c.1850A>G, p.Asn617Ser (NM_001243182.2); c.1931A>G, p.Asn644Ser (NM_001330579.2); c.1870-876A>G (NM_001005918.3); c.2122-876A>G (NM_001330578.2); short protein forms N617S, N644S, N728S.
Identifiers: ClinVar variation 1453527 (VCV001453527.15), dbSNP rs760713333, ClinGen allele CA6989091.

ClinVar aggregate classification (germline): Pathogenic/Likely pathogenic. Review status: criteria provided, multiple submitters, no conflicts (2 of 4 stars). 6 submissions from 6 submitters: Pathogenic (2); Likely pathogenic (4). Last evaluated 2025-12-30.

Conditions:
Wilson disease (WND). Also called: Wilson's disease. Identifiers: Orphanet 905, MedGen C0019202, MONDO:0010200, OMIM 277900. Disease mechanism: loss of function.

Allele frequency attached by ClinVar (database versions not stated): gnomAD exomes 0.00001 and 0.00004; TOPMed 0.00001; ExAC 0.00004.
gnomAD v4.1: 11 of 1,614,194 alleles (0.00068%); highest among the groups gnomAD compares: East Asian, 0.025%; no homozygotes.

Submissions (6):

Labcorp Genetics (formerly Invitae), Labcorp
Classification: Pathogenic for Wilson disease. Last evaluated: 2025-12-30. Review status: criteria provided, single submitter. Criteria: Invitae Variant Classification Sherloc (09022015). Collection method: clinical testing. Allele origin: germline.
Comment: This sequence change replaces asparagine, which is neutral and polar, with serine, which is neutral and polar, at codon 728 of the ATP7B protein (p.Asn728Ser). This variant is present in population databases (rs760713333, gnomAD 0.05%). This missense change has been observed in individual(s) with Wilson disease (PMID: 26253413, 30120852). In at least one individual the data is consistent with being in trans (on the opposite chromosome) from a pathogenic variant. ClinVar contains an entry for this variant (Variation ID: 1453527). An algorithm developed to predict the effect of missense changes on protein structure and function outputs the following: PolyPhen-2: "Benign". The serine amino acid residue is found in multiple mammalian species, which suggests that this missense change does not adversely affect protein function. This variant disrupts the p.Asn728 amino acid residue in ATP7B. Other variant(s) that disrupt this residue have been determined to be pathogenic (internal data). This suggests that this residue is clinically significant, and that variants that disrupt this residue are likely to be disease-causing. For these reasons, this variant has been classified as Pathogenic.

Women's Health and Genetics/Laboratory Corporation of America, LabCorp
Classification: Likely pathogenic for Wilson disease. Last evaluated: 2025-08-15. Review status: criteria provided, single submitter. Criteria: LabCorp Variant Classification Summary - May 2015. Collection method: clinical testing. Allele origin: germline.
Comment: Variant summary: ATP7B c.2183A>G (p.Asn728Ser) results in a conservative amino acid change in the encoded protein sequence. Algorithms developed to predict the effect of missense changes on protein structure and function are either unavailable or do not agree on the potential impact of this missense change. The variant allele was found at a frequency of 4e-05 in 249578 control chromosomes. This frequency is not significantly higher than estimated for a pathogenic variant in ATP7B causing Wilson Disease (4e-05 vs 0.0054), allowing no conclusion about variant significance. c.2183A>G has been observed in individual(s) affected with Wilson Disease (Yuan_2015 and Kumari_2018). These data indicate that the variant may be associated with disease. To our knowledge, no experimental evidence demonstrating an impact on protein function has been reported. The following publications have been ascertained in the context of this evaluation (PMID: 32248359, 30120852, 26253413). ClinVar contains an entry for this variant (Variation ID: 1453527). Based on the evidence outlined above, the variant was classified as likely pathogenic.

3billion
Classification: Pathogenic for Wilson disease. Last evaluated: 2024-07-09. Review status: criteria provided, single submitter. Criteria: ACMG Guidelines, 2015. Collection method: clinical testing. Allele origin: germline. Affected: yes.
Comment: The variant is observed at an extremely low frequency in the gnomAD v4.0.0 dataset (total allele frequency: <0.001%). Predicted Consequence/Location: The majority of the known disease-causing variants of this gene are variants expected to result in premature termination of the protein. In silico tool predictions suggest damaging effect of the variant on gene or gene product [REVEL: 0.80 (>=0.6, sensitivity 0.68 and specificity 0.92)]. The same nucleotide change resulting in the same amino acid change has been previously reported as pathogenic/likely pathogenic with strong evidence (ClinVar ID: VCV001453527 /PMID: 26253413). The variant has been reported to be in trans with a pathogenic variant as either compound heterozygous or homozygous in at least one similarly affected unrelated individual (PMID: 26253413). A different missense change at the same codon (p.Asn728Ile) has been reported to be associated with ATP7B related disorder (PMID: 31172689). Therefore, this variant is classified as Pathogenic according to the recommendation of ACMG/AMP guideline.

Baylor Genetics
Classification: Likely pathogenic for Wilson disease. Last evaluated: 2024-02-24. Review status: criteria provided, single submitter. Criteria: ACMG Guidelines, 2015. Collection method: clinical testing. Allele origin: unknown.

All of Us Research Program, National Institutes of Health
Classification: Likely pathogenic for Wilson disease. Last evaluated: 2023-12-13. Review status: criteria provided, single submitter. Criteria: ACMG Guidelines, 2015. Collection method: clinical testing. Allele origin: germline. Inheritance: Autosomal recessive inheritance. Observed: 2 variant alleles, 2 heterozygotes.
Comment: This missense variant replaces asparagine with serine at codon 728 of the ATP7B protein. Computational prediction suggests that this variant may have deleterious impact on protein structure and function (internally defined REVEL score threshold >= 0.7, PMID: 27666373). To our knowledge, functional studies have not been reported for this variant. This variant has been observed in individuals affected with autosomal recessive Wilson disease (PMID: 26253413, 30120852), including in three individuals in the compound heterozygous state with a pathogenic variant in the same gene (PMID: 26253413, 30120852). This variant has been identified in 10/249578 chromosomes in the general population by the Genome Aggregation Database (gnomAD). Based on the available evidence, this variant is classified as Likely Pathogenic.

This study involves interpretation of variants in research participants for the purpose of population health screening. Participant phenotype was not available at the time of variant classification. Additional details can be found in publication PMID: 35346344, PMCID: PMC8962531

Juno Genomics, Hangzhou Juno Genomics, Inc
Classification: Likely pathogenic for Wilson disease. Review status: criteria provided, single submitter. Criteria: ACMG Guidelines, 2015. Collection method: clinical testing. Allele origin: germline.
Comment: Absent from controls (or at extremely low frequency if recessive) in Genome Aggregation Database.;Multiple lines of computational evidence support a deleterious effect on the gene or gene product.;For recessive disorders, detected in trans with a pathogenic variant.;Patient's phenotype or family history is highly specific for a disease with a single genetic etiology.

Literature cited by the submitters: PubMed 26253413 (cited by 4 submitters); PubMed 30120852 (cited by 3 submitters); PubMed 32248359 (cited by Women's Health and Genetics/Laboratory Corporation of America, LabCorp); PubMed 31172689 (cited by 3billion).